The following is an entry in ClinVar:

NM_139058.3(ARX):c.441_464del (p.Ala148_Ala155del)

Genes: ARX (aristaless related homeobox; minus strand), LOC109610631 (aristaless related homeobox polyalanine expansion region; plus strand). Cytogenetic location: Xp21.3.
Variant type: Deletion.
Coding change: c.441_464del on transcript NM_139058.3 (MANE Select); coding-DNA positions 441 to 464, 24 bases deleted (AGCCGCGGCCGCGGCCGCCGCGGC).
Protein change: p.Ala148_Ala155del.
Molecular consequence: inframe deletion.
Genome position (GRCh38, 1-based): chrX:25,013,531-25,013,554, GCCGCGGCGGCCGCGGCCGCGGCT deleted on the plus strand (AGCCGCGGCCGCGGCCGCCGCGGC on the coding strand, the reverse complement: ARX is on the minus strand); deleting any 24 consecutive bases within chrX:25,013,531-25,013,566 gives the same sequence; the c. name uses the placement nearest the transcript's 3' end. VCF-style (leftmost placement, unchanged base first): chrX-25013530-GGCCGCGGCGGCCGCGGCCGCGGCT-G. GRCh37 (hg19) VCF-style: chrX-25031647-GGCCGCGGCGGCCGCGGCCGCGGCT-G.
Other names: c.441_464delAGCCGCGGCCGCGGCCGCCGCGGC (NM_139058.2).
Identifiers: ClinVar variation 96454 (VCV000096454.61), dbSNP rs398124510, ClinGen allele CA149543.
Genomic context (GRCh38, chrX:25,013,530, plus strand): 5'-GTACGACTTGCTGCGGCTGATGCTCACCTGCGGCGCCTGGCTGATCTTGAGCGTGTCCCA[GGCCGCGGCGGCCGCGGCCGCGGCT>G]GCCGCGGCGGCCCCTGCGCCGTCCGGCCGTTCCCCGGGCCGCGCGGTTGGCGGTGGCGGC-3'

ClinVar aggregate classification (germline): Benign/Likely benign. Review status: criteria provided, multiple submitters, no conflicts (2 of 4 stars). 9 submissions from 9 submitters: Benign (4); Likely benign (4). 1 of the submissions does not count toward it. Last evaluated 2026-01-13.

Conditions:
Developmental and epileptic encephalopathy, 1 (DEE1). Also called: INFANTILE SPASM SYNDROME, X-LINKED 1; Epileptic encephalopathy, early infantile, 1; X-linked infantile spasms; West's syndrome; Tonic spasms with clustering, arrest of psychomotor development and hypsarrhythmia on EEG; X-Linked Infantile Spasm Syndrome. Identifiers: MedGen C3463992, MONDO:0010632, OMIM 308350. Disease mechanism: loss of function.
Intellectual disability, X-linked, with or without seizures, ARX-related. Also called: MENTAL RETARDATION, X-LINKED 29; MENTAL RETARDATION, X-LINKED 32; MENTAL RETARDATION, X-LINKED 33; MENTAL RETARDATION, X-LINKED 38; MENTAL RETARDATION, X-LINKED 43; MENTAL RETARDATION, X-LINKED 76. Identifiers: Orphanet 777, MedGen C0796244, MONDO:0010317, OMIM 300419.
Inborn genetic diseases. Identifiers: MedGen C0950123, MeSH D030342.

Submissions (9):

Labcorp Genetics (formerly Invitae), Labcorp
Classification: Benign for Developmental and epileptic encephalopathy, 1; Intellectual disability, X-linked, with or without seizures, ARX-related. Last evaluated: 2026-01-13. Review status: criteria provided, single submitter. Criteria: Invitae Variant Classification Sherloc (09022015). Collection method: clinical testing. Allele origin: germline.

Blueprint Genetics
Classification: Likely benign. Last evaluated: 2024-11-21. Review status: criteria provided, single submitter. Criteria: ACMG Guidelines, 2015. Collection method: clinical testing. Allele origin: germline.

CeGaT Center for Human Genetics Tuebingen
Classification: Likely benign. Last evaluated: 2024-06-01. Review status: criteria provided, single submitter. Criteria: CeGaT Center For Human Genetics Tuebingen Variant Classification Criteria Version 2. Collection method: clinical testing. Allele origin: germline. Affected: yes. Observed: 8 variant alleles.
Comment: ARX: BS2

Ambry Genetics
Classification: Likely benign for Inborn genetic diseases. Last evaluated: 2019-03-02. Review status: criteria provided, single submitter. Criteria: Ambry Variant Classification Scheme 2023. Collection method: clinical testing. Allele origin: germline.

GeneDx
Classification: Benign. Last evaluated: 2015-03-03. Review status: criteria provided, single submitter. Criteria: GeneDx Variant Classification Process June 2021. Collection method: clinical testing. Allele origin: germline. Affected: yes.

Eurofins Ntd Llc (ga)
Classification: Benign. Last evaluated: 2013-11-04. Review status: criteria provided, single submitter. Criteria: EGL Classification Definitions 2015. Collection method: clinical testing. Allele origin: germline. Observed: 1 variant allele, 1 heterozygote.

Genetic Services Laboratory, University of Chicago
Classification: Benign. Last evaluated: 2013-02-08. Review status: criteria provided, single submitter. Criteria: ACMG Guidelines, 2007. Collection method: clinical testing. Allele origin: germline. Inheritance: X-linked inheritance.

PreventionGenetics, part of Exact Sciences
Classification: Likely benign. Review status: criteria provided, single submitter. Criteria: ACMG Guidelines, 2015. Collection method: clinical testing. Allele origin: germline.

OMIM
Classification: Uncertain significance for RECLASSIFIED - VARIANT OF UNKNOWN SIGNIFICANCE. Last evaluated: 2011-01-01. Review status: no assertion criteria provided. Collection method: literature only. Allele origin: germline. Not counted in ClinVar's aggregate classification.

Literature cited by the submitters: PubMed 21204226 (cited by Eurofins Ntd Llc (ga) and OMIM); PubMed 17641262 (cited by OMIM).